The following is an entry in ClinVar:

NM_018942.3(HMX1):c.714C>T (p.Ala238=)

Gene: HMX1 (H6 family homeobox 1; minus strand). Cytogenetic location: 4p16.1.
Variant type: single nucleotide variant.
Coding change: c.714C>T on transcript NM_018942.3 (MANE Select); coding-DNA position 714, C replaced by T.
Protein change: p.Ala238=; no amino-acid change (alanine 238 retained).
Molecular consequence: synonymous variant. On other transcripts: intron variant (1).
Genome position (GRCh38, 1-based): chr4:8,868,026, G>A on the plus strand (C>T on the coding strand, the complement: HMX1 is on the minus strand). VCF-style: chr4-8868026-G-A. GRCh37 (hg19) VCF-style: chr4-8869752-G-A.
Other names: c.394+3195C>T (NM_001306142.2).
Identifiers: ClinVar variation 1168425 (VCV001168425.34), dbSNP rs541897294, ClinGen allele CA2854277.
Genomic context (GRCh38, chr4:8,868,026, plus strand): 5'-CCACTTGTTGCGGCGGTTCTGGAACCAGATCTTAACCTGCGTCTCGGTGAGCTGCAGGGA[G>A]GCGGCCAGGCCGGCGCGCTCGGCGCTGCTCAGGTAGCGCTTCAGGTCGAAGGTGGATTCC-3'
Protein context (NP_061815.2, residues 228-248): LSSAERAGLA[Ala238=]SLQLTETQVK

ClinVar aggregate classification (germline): Benign/Likely benign. Review status: criteria provided, multiple submitters, no conflicts (2 of 4 stars). 3 submissions from 3 submitters: Benign (1); Likely benign (2). Last evaluated 2026-01-26.

Allele frequency attached by ClinVar (database versions not stated): 1000 Genomes Project 0.00080; 1000 Genomes Project 30x 0.00094; gnomAD exomes 0.00107 and 0.00222; TOPMed 0.00126; ExAC 0.00238.
gnomAD v4.1: 3,234 of 1,541,158 alleles (0.21%); highest among the groups gnomAD compares: Non-Finnish European, 0.26%; 7 homozygotes.

Submissions (3):

Labcorp Genetics (formerly Invitae), Labcorp
Classification: Benign. Last evaluated: 2026-01-26. Review status: criteria provided, single submitter. Criteria: Invitae Variant Classification Sherloc (09022015). Collection method: clinical testing. Allele origin: germline.

Blueprint Genetics
Classification: Likely benign. Last evaluated: 2024-11-06. Review status: criteria provided, single submitter. Criteria: ACMG Guidelines, 2015. Collection method: clinical testing. Allele origin: germline.

CeGaT Center for Human Genetics Tuebingen
Classification: Likely benign. Last evaluated: 2023-07-01. Review status: criteria provided, single submitter. Criteria: CeGaT Center For Human Genetics Tuebingen Variant Classification Criteria Version 2. Collection method: clinical testing. Allele origin: germline. Affected: yes. Observed: 1 variant allele.
Comment: HMX1: BP4, BP7